The following is an entry in ClinVar:

NM_006361.6(HOXB13):c.238del (p.Tyr80fs)

Gene: HOXB13 (homeobox B13; minus strand). Cytogenetic location: 17q21.32.
Variant type: Deletion.
Coding change: c.238del on transcript NM_006361.6 (MANE Select); coding-DNA position 238, one base deleted (T; older notation c.238delT).
Protein change: p.Tyr80fs; shifts the reading frame from tyrosine 80.
Molecular consequence: frameshift variant.
Genome position (GRCh38, 1-based): chr17:48,728,356, A deleted on the plus strand (T on the coding strand, the reverse complement: HOXB13 is on the minus strand); the first of 2 consecutive A bases (chr17:48,728,356-48,728,357); deleting either gives the same sequence. VCF-style (leftmost placement, unchanged base first): chr17-48728355-TA-T. GRCh37 (hg19) VCF-style: chr17-46805717-TA-T.
Other names: c.238delT (NM_006361.5); short protein forms Y80fs.
Identifiers: ClinVar variation 5022695 (VCV005022695.1).

ClinVar aggregate classification (germline): Uncertain significance (1 of 4 stars; one submission).

Conditions:
Hereditary cancer-predisposing syndrome. Also called: Neoplastic Syndromes, Hereditary; Tumor predisposition; Hereditary neoplastic syndrome; Hereditary Cancer Syndrome. Identifiers: Orphanet 140162, MedGen C0027672, MeSH D009386, MONDO:0015356.

Submission:

Ambry Genetics
Classification: Uncertain significance for Hereditary cancer-predisposing syndrome. Last evaluated: 2026-06-15. Review status: criteria provided, single submitter. Criteria: Ambry Variant Classification Scheme 2023. Collection method: clinical testing. Allele origin: germline.
Comment: The c.238delT variant, located in coding exon 1 of the HOXB13 gene, results from a deletion of one nucleotide at nucleotide position 238, causing a translational frameshift with a predicted alternate stop codon (p.Y80Mfs*18). This variant is expected to result in protein truncation or nonsense-mediated mRNA decay. However, loss of function has not been established as a mechanism of disease. Based on the available evidence, the clinical significance of this variant remains unclear.